The following is an entry in ClinVar:

ClinVar aggregate classification (germline): Uncertain significance. Review status: criteria provided, multiple submitters, no conflicts (2 of 4 stars). 3 submissions from 3 submitters: Uncertain significance (3). Last evaluated 2024-05-23.

Conditions:
Inborn genetic diseases. Identifiers: MedGen C0950123, MeSH D030342.

Allele frequency attached by ClinVar (database versions not stated): ExAC 0.00001; gnomAD 0.00001; gnomAD exomes 0.00001; TOPMed 0.00002.
gnomAD v4.1: 17 of 1,592,074 alleles (0.0011%); highest among the groups gnomAD compares: African/African-American, 0.011%; no homozygotes.

Submissions (3):

Ambry Genetics
Classification: Uncertain significance for Inborn genetic diseases. Last evaluated: 2024-05-23. Review status: criteria provided, single submitter. Criteria: Ambry Variant Classification Scheme 2023. Collection method: clinical testing. Allele origin: germline.

Labcorp Genetics (formerly Invitae), Labcorp
Classification: Uncertain significance. Last evaluated: 2023-12-11. Review status: criteria provided, single submitter. Criteria: Invitae Variant Classification Sherloc (09022015). Collection method: clinical testing. Allele origin: germline.
Comment: This sequence change replaces arginine, which is basic and polar, with cysteine, which is neutral and slightly polar, at codon 731 of the SKIV2L protein (p.Arg731Cys). The frequency data for this variant in the population databases is considered unreliable, as metrics indicate poor data quality at this position in the gnomAD database. This variant has not been reported in the literature in individuals affected with SKIV2L-related conditions. ClinVar contains an entry for this variant (Variation ID: 1908563). An algorithm developed to predict the effect of missense changes on protein structure and function (PolyPhen-2) suggests that this variant is likely to be disruptive. In summary, the available evidence is currently insufficient to determine the role of this variant in disease. Therefore, it has been classified as a Variant of Uncertain Significance.

Blueprint Genetics
Classification: Uncertain significance. Last evaluated: 2021-07-23. Review status: criteria provided, single submitter. Criteria: ACMG Guidelines, 2015. Collection method: clinical testing. Allele origin: germline.

NM_006929.5(SKIC2):c.2191C>T (p.Arg731Cys)

Gene: SKIC2 (SKI2 subunit of superkiller complex; plus strand). Cytogenetic location: 6p21.33.
Variant type: single nucleotide variant.
Coding change: c.2191C>T on transcript NM_006929.5 (MANE Select); coding-DNA position 2191, C replaced by T.
Protein change: p.Arg731Cys; replaces arginine 731 with cysteine.
Molecular consequence: missense variant.
Genome position (GRCh38, 1-based): chr6:31,966,002, C>T. VCF-style: chr6-31966002-C-T. GRCh37 (hg19) VCF-style: chr6-31933779-C-T.
Other names: c.2191C>T (NM_006929.4); short protein forms R731C.
Identifiers: ClinVar variation 1908563 (VCV001908563.5), dbSNP rs761104695, ClinGen allele CA3729700.